The following is an entry in ClinVar:

ClinVar aggregate classification (germline): Likely benign (1 of 4 stars; one submission).

Conditions:
PKD1-related disorder. Also called: PKD1-related condition.

Submission:

PreventionGenetics, part of Exact Sciences
Classification: Likely benign for PKD1-related condition. Last evaluated: 2024-10-17. Review status: criteria provided, single submitter. Criteria: ACMG Guidelines, 2015. Collection method: clinical testing. Allele origin: germline.
Comment: This variant is classified as likely benign based on ACMG/AMP sequence variant interpretation guidelines (Richards et al. 2015 PMID: 25741868, with internal and published modifications).

NM_001009944.3(PKD1):c.939G>A (p.Glu313=)

Gene: PKD1 (polycystin 1, transient receptor potential channel interacting; minus strand). Cytogenetic location: 16p13.3.
Variant type: single nucleotide variant.
Coding change: c.939G>A on transcript NM_001009944.3 (MANE Select); coding-DNA position 939, G replaced by A.
Protein change: p.Glu313=; no amino-acid change (glutamic acid 313 retained).
Molecular consequence: synonymous variant.
Genome position (GRCh38, 1-based): chr16:2,118,053, C>T on the plus strand (G>A on the coding strand, the complement: PKD1 is on the minus strand). VCF-style: chr16-2118053-C-T. GRCh37 (hg19) VCF-style: chr16-2168054-C-T.
Other names: c.939G>A, p.Glu313= (NM_000296.4).
Identifiers: ClinVar variation 4998833 (VCV004998833.1).